The following is an entry in ClinVar:

NM_007194.4(CHEK2):c.1076A>G (p.Glu359Gly)

Gene: CHEK2 (checkpoint kinase 2; minus strand). Cytogenetic location: 22q12.1.
Variant type: single nucleotide variant.
Coding change: c.1076A>G on transcript NM_007194.4 (MANE Select); coding-DNA position 1076, A replaced by G.
Protein change: p.Glu359Gly; replaces glutamic acid 359 with glycine.
Molecular consequence: missense variant. On other transcripts: intron variant (3).
Genome position (GRCh38, 1-based): chr22:28,696,920, T>C on the plus strand (A>G on the coding strand, the complement: CHEK2 is on the minus strand). VCF-style: chr22-28696920-T-C. GRCh37 (hg19) VCF-style: chr22-29092908-T-C.
Other names: c.1205A>G, p.Glu402Gly (NM_001005735.3); c.413A>G, p.Glu138Gly (NM_001257387.3, NM_001437942.1); c.875A>G, p.Glu292Gly (NM_001349956.3); c.1169A>G, p.Glu390Gly (NM_001438293.1); c.1009-1047A>G (NM_145862.3); c.1102-1047A>G (NM_001438295.1); c.1138-1047A>G (NM_001438294.1); short protein forms E359G, E402G, E292G, E138G, E390G.
Identifiers: ClinVar variation 233678 (VCV000233678.36), dbSNP rs760449049, ClinGen allele CA10167737.

ClinVar aggregate classification (germline): Conflicting classifications of pathogenicity. Review status: criteria provided, conflicting classifications (1 of 4 stars). 11 submissions from 11 submitters: Uncertain significance (9); Likely benign (1). 1 of the submissions does not count toward it. Last evaluated 2025-12-21.

Conditions:
Hereditary cancer-predisposing syndrome. Also called: Neoplastic Syndromes, Hereditary; Hereditary Cancer Syndrome; Tumor predisposition; Hereditary neoplastic syndrome. Identifiers: Orphanet 140162, MedGen C0027672, MeSH D009386, MONDO:0015356.
Familial cancer of breast. Also called: hereditary breast carcinoma; Hereditary breast cancer; BREAST CANCER, FAMILIAL. Identifiers: Orphanet 227535, MedGen C0346153, MONDO:0016419, OMIM 114480. Disease mechanism: loss of function.
CHEK2-related cancer predisposition (TPDS4). Also called: CHEK2-related cancer susceptibility; TUMOR PREDISPOSITION SYNDROME 4; CANCER PREDISPOSITION SYNDROME, CHEK2-RELATED. Identifiers: Orphanet 524, MedGen C5882668, MONDO:0700271, OMIM 609265.

Allele frequency attached by ClinVar (database versions not stated): gnomAD exomes below 0.00001 and 0.00001; ExAC 0.00002.
gnomAD v4.1: 5 of 1,611,390 alleles (0.00031%); highest among the groups gnomAD compares: Middle Eastern, 0.016%; no homozygotes.

Submissions (11):

Labcorp Genetics (formerly Invitae), Labcorp
Classification: Uncertain significance for Familial cancer of breast. Last evaluated: 2025-12-21. Review status: criteria provided, single submitter. Criteria: Invitae Variant Classification Sherloc (09022015). Collection method: clinical testing. Allele origin: germline.
Comment: This sequence change replaces glutamic acid, which is acidic and polar, with glycine, which is neutral and non-polar, at codon 359 of the CHEK2 protein (p.Glu359Gly). This variant is present in population databases (rs760449049, gnomAD 0.002%). This missense change has been observed in individual(s) with Lynch syndrome (PMID: 25980754). ClinVar contains an entry for this variant (Variation ID: 233678). An algorithm developed to predict the effect of missense changes on protein structure and function (PolyPhen-2) suggests that this variant is likely to be tolerated. Experimental studies have shown that this missense change does not substantially affect CHEK2 function (PMID: 37449874). Studies have shown that this missense change is associated with inconclusive levels of altered splicing (PMID: 38332730; internal data). In summary, the available evidence is currently insufficient to determine the role of this variant in disease. Therefore, it has been classified as a Variant of Uncertain Significance.

Ambry Genetics
Classification: Likely benign for Hereditary cancer-predisposing syndrome. Last evaluated: 2025-12-16. Review status: criteria provided, single submitter. Criteria: Ambry Variant Classification Scheme 2023. Collection method: clinical testing. Allele origin: germline.

GeneDx
Classification: Uncertain significance. Last evaluated: 2025-09-18. Review status: criteria provided, single submitter. Criteria: GeneDx Variant Classification Process June 2021. Collection method: clinical testing. Allele origin: germline. Affected: yes.
Comment: Observed in individuals with breast cancer or a Lynch syndrome-related cancer and/or polyps (PMID: 25980754, 37449874); Published functional studies demonstrate KAP1 phosphorylation and CHK2 auto-phosphorylation comparable to wild-type (PMID: 37449874); RNA studies demonstrate aberrant splicing resulting in both in-frame and out-of-frame transcripts (PMID: 38332730); In silico analysis supports that this missense variant has a deleterious effect on protein structure/function; Not observed at significant frequency in large population cohorts (gnomAD); This variant is associated with the following publications: (PMID: 25980754, 28576879, 28779002, 30262796, 33471991, 35451682, 37449874, 38332730, 22419737, 19782031)

Molecular Diagnostics Laboratory, Catalan Institute of Oncology
Classification: Uncertain significance for Hereditary cancer-predisposing syndrome. Last evaluated: 2025-08-05. Review status: criteria provided, single submitter. Criteria: ACMG Guidelines, 2015. Collection method: clinical testing. Allele origin: germline.
Comment: PM2_Supporting c.1076A>G, located in exon 10 of the CHEK2 gene, is predicted to result in the substitution of glutamic acid with glycine at codon 359, p.(Glu359Gly). This variant is found in 2/268167 alleles at a frequency of 0,0007% in the gnomAD v2.1.1 database, non-cancer dataset (PM2_Supporting). The SpliceAI algorithm predicts no significant impact on splicing. The REVEL meta-predictor score for this variant (0.056) suggests that it does not affect the protein function according to Pejaver 2022 thresholds (PMID: 36413997). Functional studies (kinase activity in human cells) have shown that this variant does not affect KAP1 or CHK2 phosphorylation (PMID: 30851065, 37449874). Sanoguera-Miralles et al, 2024 (PMID: 38332730), using a minigene assay and semiquantitative fluorescent RT-PCR, demonstrated that the c.1076A>G results in 29% of aberrant splicing transcripts, the in-frame delta E10 being the most abundant (26.7/100%). Furthermore, this variant has been reported in a case-control study; it was found in none of 60,466 breast cancer cases and two of the 53,461 healthy controls (PMID: 33471991). It has been identified in individuals undergoing Lynch syndrome testing (PMID: 25980754) and at least one breast cancer-affected patient (internal data). This variant has been reported in the ClinVar database (9x uncertain significance) and in LOVD (1x uncertain significance). Based on the currently available information, c.1076A>G is classified as an uncertain significance variant according to ACMG/AMP classification guidelines.

Color Diagnostics, LLC DBA Color Health
Classification: Uncertain significance for Hereditary cancer-predisposing syndrome. Last evaluated: 2024-11-13. Review status: criteria provided, single submitter. Criteria: ACMG Guidelines, 2015. Collection method: clinical testing. Allele origin: germline.
Comment: This missense variant replaces glutamic acid with glycine at codon 359 of the CHEK2 protein. Computational prediction suggests that this variant may not impact protein structure and function. Expermental studies have reported this variant to be functional in CHK2 autophosphorulation and KAP1 kinase assays (PMID: 37449874). This variant has been reported in an individual suspected of having Lynch syndrome (PMID: 25980754) and in two unaffected individuals (PMID: 33471991). This variant has been identified in 2/251266 chromosomes in the general population by the Genome Aggregation Database (gnomAD). The available evidence is insufficient to determine the role of this variant in disease conclusively. Therefore, this variant is classified as a Variant of Uncertain Significance.

KCCC/NGS Laboratory, Kuwait Cancer Control Center
Classification: Uncertain significance for CHEK2-related cancer predisposition. Last evaluated: 2024-09-09. Review status: criteria provided, single submitter. Criteria: ACMG Guidelines, 2015. Collection method: clinical testing. Allele origin: germline. Inheritance: Autosomal dominant inheritance. Affected: yes. Observed: 1 heterozygote.
Comment: This sequence change replaces glutamic acid, which is acidic and polar, with glycine, which is neutral and nonpolar, at codon 359 of the CHEK2 protein (p.Glu359Gly)This amino acid position is poorly conserved (PhyloP=3.45) . This variant is present in population databases (rs760449049, gnomAD 0.002%). This missense change has been observed in individual(s) with Lynch syndrome PMID: 25980754, 28576879, 28779002, 30262796, 22419737, 19782031, 33471991, 35451682, 37449874, 38332730). ClinVar contains an entry for this variant (Variation ID: 233678). In addition, this alteration is predicted to be tolerated by in silico analysis. In summary, the available evidence is currently insufficient to determine the role of this variant in disease. Therefore, it has been classified as a Variant of Uncertain Significance.Pathogenic/likely pathogenic mutations in the CHEK2 gene cause susceptibility to breast cancer (OMIM# 114480).

Blueprint Genetics
Classification: Uncertain significance. Last evaluated: 2024-05-31. Review status: criteria provided, single submitter. Criteria: ACMG Guidelines, 2015. Collection method: clinical testing. Allele origin: germline.

Women's Health and Genetics/Laboratory Corporation of America, LabCorp
Classification: Uncertain significance. Last evaluated: 2024-05-13. Review status: criteria provided, single submitter. Criteria: LabCorp Variant Classification Summary - May 2015. Collection method: clinical testing. Allele origin: germline.
Comment: Variant summary: CHEK2 c.1076A>G (p.Glu359Gly) results in a non-conservative amino acid change located in the Protein kinase domain (IPR000719) of the encoded protein sequence. Three of five in-silico tools predict a benign effect of the variant on protein function. The variant allele was found at a frequency of 8e-06 in 251266 control chromosomes. The available data on variant occurrences in the general population are insufficient to allow any conclusion about variant significance. c.1076A>G has been reported in the literature in individuals affected with Hereditary Breast And Ovarian Cancer Syndrome as well as healthy controls (e.g., Yurgelun_2015, Decker_2017, Stolarova_2023). These reports do not provide unequivocal conclusions about association of the variant with Hereditary Breast And Ovarian Cancer Syndrome. At least one publication reports experimental evidence evaluating an impact on protein function. These results showed no damaging effect of this variant on kinase activity (e.g., Stolarova_2023). The following publications have been ascertained in the context of this evaluation (PMID: 37449874, 25980754, 28779002). ClinVar contains an entry for this variant (Variation ID: 233678). Based on the evidence outlined above, the variant was classified as VUS-possibly benign.

Baylor Genetics
Classification: Uncertain significance for Familial cancer of breast. Last evaluated: 2024-01-20. Review status: criteria provided, single submitter. Criteria: ACMG Guidelines, 2015. Collection method: clinical testing. Allele origin: unknown.

Genetic Services Laboratory, University of Chicago
Classification: Uncertain significance. Last evaluated: 2021-11-29. Review status: criteria provided, single submitter. Criteria: ACMG Guidelines, 2015. Collection method: clinical testing. Allele origin: germline. Affected: no.
Comment: DNA sequence analysis of the CHEK2 gene demonstrated a sequence change, c.1076A>G, in exon 10 that results in an amino acid change, p.Glu359Gly. This sequence change has been described in the gnomAD database in two individuals which corresponds to a population frequency of 0.0018 % (dbSNP rs760449049). The p.Glu359Gly change affects a moderately conserved amino acid residue located in a domain of the CHEK2 protein that is known to be functional. The p.Glu359Gly substitution appears to be benign using several in-silico pathogenicity prediction tools (SIFT, PolyPhen2, Align GVGD, REVEL). This sequence change does not appear to have been previously described in individuals with CHEK2-related disorders. Due to insufficient evidences and the lack of functional studies, the clinical significance of the p.Glu359Gly change remains unknown at this time.

Department of Pathology and Laboratory Medicine, Sinai Health System
Classification: Uncertain significance. Review status: no assertion criteria provided. Collection method: clinical testing. Allele origin: unknown. Affected: yes. Study: The Canadian Open Genetics Repository (COGR). Not counted in ClinVar's aggregate classification.
Comment: The CHEK2 p.Glu359Gly variant was identified in 1 of 2520 proband chromosomes (frequency: 0.0004) from individuals or families with Lynch syndrome (Yurgelun 2015). The variant was also identified in dbSNP (ID: rs760449049) as "With Uncertain significance allele" and ClinVar (classified as uncertain significance by Invitae, GeneDx, Ambry Genetics, and Color). The variant was not identified in the Cosmic, MutDB, Zhejiang University database, the Exome Aggregation Consortium (August 8th 2016) or the Genome Aggregation Database (Feb 27, 2017). The p.Glu359 residue is not conserved in mammals and computational analyses (PolyPhen-2, SIFT, AlignGVGD, BLOSUM, MutationTaster) provide inconsistent predictions regarding the impact to the protein; this information is not very predictive of pathogenicity. The variant occurs outside of the splicing consensus sequence and in silico or computational prediction software programs (SpliceSiteFinder, MaxEntScan, NNSPLICE, GeneSplicer) do not predict a difference in splicing. In summary, based on the above information, the clinical significance of this variant cannot be determined with certainty at this time. This variant is classified as a variant of uncertain significance.

Literature cited by the submitters: PubMed 25980754 (cited by 4 submitters); PubMed 37449874 (cited by 3 submitters); PubMed 38332730 (cited by Labcorp Genetics (formerly Invitae), Labcorp); PubMed 28779002 (cited by Ambry Genetics and Women's Health and Genetics/Laboratory Corporation of America, LabCorp); PubMed 33471991 (cited by Color Diagnostics, LLC DBA Color Health).